The following is an entry in ClinVar:

ClinVar aggregate classification (germline): Uncertain significance (1 of 4 stars; one submission).

Conditions:
Intellectual developmental disorder, X-linked, syndromic 14. Also called: Syndromic X-linked intellectual disability 14. Identifiers: Orphanet 776, MedGen C1970822, MONDO:0010398, OMIM 300676.

Submission:

Labcorp Genetics (formerly Invitae), Labcorp
Classification: Uncertain significance for Intellectual developmental disorder, X-linked, syndromic 14. Last evaluated: 2024-06-04. Review status: criteria provided, single submitter. Criteria: Invitae Variant Classification Sherloc (09022015). Collection method: clinical testing. Allele origin: germline.
Comment: This sequence change replaces arginine, which is basic and polar, with glycine, which is neutral and non-polar, at codon 348 of the UPF3B protein (p.Arg348Gly). This variant is not present in population databases (gnomAD no frequency). This variant has not been reported in the literature in individuals affected with UPF3B-related conditions. Advanced modeling of protein sequence and biophysical properties (such as structural, functional, and spatial information, amino acid conservation, physicochemical variation, residue mobility, and thermodynamic stability) performed at Invitae indicates that this missense variant is not expected to disrupt UPF3B protein function with a negative predictive value of 80%. In summary, the available evidence is currently insufficient to determine the role of this variant in disease. Therefore, it has been classified as a Variant of Uncertain Significance.

NM_080632.3(UPF3B):c.1042A>G (p.Arg348Gly)

Gene: UPF3B (UPF3B regulator of nonsense mediated mRNA decay; minus strand). Cytogenetic location: Xq24.
Variant type: single nucleotide variant.
Coding change: c.1042A>G on transcript NM_080632.3 (MANE Select); coding-DNA position 1042, A replaced by G.
Protein change: p.Arg348Gly; replaces arginine 348 with glycine.
Molecular consequence: missense variant.
Genome position (GRCh38, 1-based): chrX:119,838,017, T>C on the plus strand (A>G on the coding strand, the complement: UPF3B is on the minus strand). VCF-style: chrX-119838017-T-C. GRCh37 (hg19) VCF-style: chrX-118971980-T-C.
Other names: c.1003A>G, p.Arg335Gly (NM_023010.4); short protein forms R335G, R348G.
Identifiers: ClinVar variation 3655570 (VCV003655570.2).